The following is an entry in ClinVar:

ClinVar aggregate classification (germline): Uncertain significance (1 of 4 stars; one submission).

Conditions:
Familial thoracic aortic aneurysm and aortic dissection (TAAD). Also called: Thoracic aortic aneurysms and dissections. Identifiers: Orphanet 91387, MedGen C4707243, MONDO:0019625.

Submission:

Color Diagnostics, LLC DBA Color Health
Classification: Uncertain significance for Familial thoracic aortic aneurysm and aortic dissection. Last evaluated: 2025-06-30. Review status: criteria provided, single submitter. Criteria: ACMG Guidelines, 2015. Collection method: clinical testing. Allele origin: germline.
Comment: This missense variant replaces aspartic acid with asparagine at codon 324 of the FBN1 protein. Computational prediction suggests that this variant may not impact protein structure and function. To our knowledge, functional studies have not been reported for this variant. This variant has not been reported in individuals affected with FBN1-related disorders in the literature. This variant has been identified in 3/251418 chromosomes in the general population by the Genome Aggregation Database (gnomAD). The available evidence is insufficient to determine the role of this variant in disease conclusively. Therefore, this variant is classified as a Variant of Uncertain Significance.

NM_000138.5(FBN1):c.970G>A (p.Asp324Asn)

Gene: FBN1 (fibrillin 1; minus strand). Cytogenetic location: 15q21.1.
Variant type: single nucleotide variant.
Coding change: c.970G>A on transcript NM_000138.5 (MANE Select); coding-DNA position 970, G replaced by A.
Protein change: p.Asp324Asn; replaces aspartic acid 324 with asparagine.
Molecular consequence: missense variant.
Genome position (GRCh38, 1-based): chr15:48,526,148, C>T on the plus strand (G>A on the coding strand, the complement: FBN1 is on the minus strand). VCF-style: chr15-48526148-C-T. GRCh37 (hg19) VCF-style: chr15-48818345-C-T.
Other names: c.970G>A, p.Asp324Asn (NM_001406716.1); short protein forms D324N.
Identifiers: ClinVar variation 4758600 (VCV004758600.1).